The following is an entry in ClinVar:

NM_022132.5(MCCC2):c.422A>G (p.Lys141Arg)

Gene: MCCC2 (methylcrotonyl-CoA carboxylase subunit 2; plus strand). Cytogenetic location: 5q13.2.
Variant type: single nucleotide variant.
Coding change: c.422A>G on transcript NM_022132.5 (MANE Select); coding-DNA position 422, A replaced by G.
Protein change: p.Lys141Arg; replaces lysine 141 with arginine.
Molecular consequence: missense variant.
Genome position (GRCh38, 1-based): chr5:71,602,544, A>G. VCF-style: chr5-71602544-A-G. GRCh37 (hg19) VCF-style: chr5-70898371-A-G.
Other names: c.422A>G, p.Lys141Arg (NM_001363147.1); c.422A>G (NM_022132.4); short protein forms K141R.
Identifiers: ClinVar variation 2146513 (VCV002146513.3), dbSNP rs766305039, ClinGen allele CA3297776.

ClinVar aggregate classification (germline): Uncertain significance. Review status: criteria provided, multiple submitters, no conflicts (2 of 4 stars). 2 submissions from 2 submitters: Uncertain significance (2). Last evaluated 2023-05-31.

Conditions:
Inborn genetic diseases. Identifiers: MedGen C0950123, MeSH D030342.
3-methylcrotonyl-CoA carboxylase 2 deficiency. Also called: METHYLCROTONYLGLYCINURIA, TYPE II; 3 alpha methylcrotonyl-CoA carboxylase 2 deficiency; 3 alpha methylcrotonylglycinuria 2; MCC 2 deficiency; Methylcrotonylglycinuria type 2. Identifiers: Orphanet 6, MedGen C1859499, MONDO:0008862, OMIM 210210.

Allele frequency attached by ClinVar (database versions not stated): gnomAD 0.00001; gnomAD exomes 0.00001; ExAC 0.00003.
gnomAD v4.1: 13 of 1,614,052 alleles (0.00081%); highest among the groups gnomAD compares: East Asian, 0.0045%; no homozygotes.

Submissions (2):

Ambry Genetics
Classification: Uncertain significance for Inborn genetic diseases. Last evaluated: 2023-05-31. Review status: criteria provided, single submitter. Criteria: Ambry Variant Classification Scheme 2023. Collection method: clinical testing. Allele origin: germline.

Labcorp Genetics (formerly Invitae), Labcorp
Classification: Uncertain significance for 3-methylcrotonyl-CoA carboxylase 2 deficiency. Last evaluated: 2022-05-25. Review status: criteria provided, single submitter. Criteria: Invitae Variant Classification Sherloc (09022015). Collection method: clinical testing. Allele origin: germline.
Comment: This sequence change replaces lysine, which is basic and polar, with arginine, which is basic and polar, at codon 141 of the MCCC2 protein (p.Lys141Arg). This variant is present in population databases (rs766305039, gnomAD 0.02%). This variant has not been reported in the literature in individuals affected with MCCC2-related conditions. Advanced modeling of protein sequence and biophysical properties (such as structural, functional, and spatial information, amino acid conservation, physicochemical variation, residue mobility, and thermodynamic stability) performed at Invitae indicates that this missense variant is expected to disrupt MCCC2 protein function. Algorithms developed to predict the effect of sequence changes on RNA splicing suggest that this variant may create or strengthen a splice site. In summary, the available evidence is currently insufficient to determine the role of this variant in disease. Therefore, it has been classified as a Variant of Uncertain Significance.